The following is an entry in ClinVar:

NM_152888.3(COL22A1):c.1085G>A (p.Arg362Gln)

Gene: COL22A1 (collagen type XXII alpha 1 chain; minus strand). Cytogenetic location: 8q24.23.
Variant type: single nucleotide variant.
Coding change: c.1085G>A on transcript NM_152888.3 (MANE Select); coding-DNA position 1085, G replaced by A.
Protein change: p.Arg362Gln; replaces arginine 362 with glutamine.
Molecular consequence: missense variant.
Genome position (GRCh38, 1-based): chr8:138,821,296, C>T on the plus strand (G>A on the coding strand, the complement: COL22A1 is on the minus strand). VCF-style: chr8-138821296-C-T. GRCh37 (hg19) VCF-style: chr8-139833539-C-T.
Other names: short protein forms R362Q.
Identifiers: ClinVar variation 2369199 (VCV002369199.24), dbSNP rs146329974, ClinGen allele CA4892123.

ClinVar aggregate classification (germline): Conflicting classifications of pathogenicity. Review status: criteria provided, conflicting classifications (1 of 4 stars). 2 submissions from 2 submitters: Uncertain significance (1); Likely benign (1). Last evaluated 2025-03-26.

Allele frequency attached by ClinVar (database versions not stated): ExAC 0.00015; TOPMed 0.00015; 1000 Genomes Project 30x 0.00016; 1000 Genomes Project 0.00020; ESP Exome Variant Server 0.00023.
gnomAD v4.1: 316 of 1,614,190 alleles (0.02%); highest among the groups gnomAD compares: Admixed American, 0.032%; no homozygotes.

Submissions (2):

Ambry Genetics
Classification: Uncertain significance. Last evaluated: 2025-03-26. Review status: criteria provided, single submitter. Criteria: Ambry Variant Classification Scheme 2023. Collection method: clinical testing. Allele origin: germline.

CeGaT Center for Human Genetics Tuebingen
Classification: Likely benign. Last evaluated: 2024-01-01. Review status: criteria provided, single submitter. Criteria: CeGaT Center For Human Genetics Tuebingen Variant Classification Criteria Version 2. Collection method: clinical testing. Allele origin: germline. Affected: yes. Observed: 1 variant allele.
Comment: COL22A1: BP4